The following is an entry in ClinVar:

ClinVar aggregate classification (germline): Uncertain significance (1 of 4 stars; one submission).

Allele frequency attached by ClinVar (database versions not stated): gnomAD exomes 0.00001.
gnomAD v4.1: 20 of 1,544,554 alleles (0.0013%); highest among the groups gnomAD compares: Admixed American, 0.0039%; no homozygotes.

Submission:

Labcorp Genetics (formerly Invitae), Labcorp
Classification: Uncertain significance. Last evaluated: 2022-06-16. Review status: criteria provided, single submitter. Criteria: Invitae Variant Classification Sherloc (09022015). Collection method: clinical testing. Allele origin: germline.
Comment: This sequence change replaces arginine, which is basic and polar, with tryptophan, which is neutral and slightly polar, at codon 913 of the CTDP1 protein (p.Arg913Trp). This variant is present in population databases (no rsID available, gnomAD 0.004%). This variant has not been reported in the literature in individuals affected with CTDP1-related conditions. Algorithms developed to predict the effect of missense changes on protein structure and function are either unavailable or do not agree on the potential impact of this missense change (SIFT: "Deleterious"; PolyPhen-2: "Probably Damaging"; Align-GVGD: "Class C0"). In summary, the available evidence is currently insufficient to determine the role of this variant in disease. Therefore, it has been classified as a Variant of Uncertain Significance.

NM_004715.5(CTDP1):c.2737C>T (p.Arg913Trp)

Gene: CTDP1 (CTD phosphatase subunit 1; plus strand). Cytogenetic location: 18q23.
Variant type: single nucleotide variant.
Coding change: c.2737C>T on transcript NM_004715.5 (MANE Select); coding-DNA position 2737, C replaced by T.
Protein change: p.Arg913Trp; replaces arginine 913 with tryptophan.
Molecular consequence: missense variant. On other transcripts: synonymous variant (1), intron variant (1).
Genome position (GRCh38, 1-based): chr18:79,736,511, C>T. VCF-style: chr18-79736511-C-T. GRCh37 (hg19) VCF-style: chr18-77496511-C-T.
Other names: c.2380C>T, p.Arg794Trp (NM_001202504.1); c.2574C>T, p.Ala858= (NM_048368.4); c.2580+7442C>T (NM_001318511.2); short protein forms R794W, R913W.
Identifiers: ClinVar variation 1977322 (VCV001977322.2), dbSNP rs1012549143, ClinGen allele CA303785780.